The following is an entry in ClinVar:

ClinVar aggregate classification (germline): Uncertain significance (1 of 4 stars; one submission).

Submission:

GeneDx
Classification: Uncertain significance. Last evaluated: 2025-02-10. Review status: criteria provided, single submitter. Criteria: GeneDx Variant Classification Process June 2021. Collection method: clinical testing. Allele origin: germline. Affected: yes.
Comment: Not observed at significant frequency in large population cohorts (gnomAD); In silico analysis supports that this missense variant has a deleterious effect on protein structure/function; Has not been previously published as pathogenic or benign to our knowledge

NM_001394062.1(MACF1):c.761T>C (p.Phe254Ser)

Gene: MACF1 (microtubule actin crosslinking factor 1; plus strand). Cytogenetic location: 1p34.3.
Variant type: single nucleotide variant.
Coding change: c.761T>C on transcript NM_001394062.1 (MANE Select); coding-DNA position 761, T replaced by C.
Protein change: p.Phe254Ser; replaces phenylalanine 254 with serine.
Molecular consequence: missense variant.
Genome position (GRCh38, 1-based): chr1:39,283,254, T>C. VCF-style: chr1-39283254-T-C. GRCh37 (hg19) VCF-style: chr1-39748926-T-C.
Other names: c.776T>C, p.Phe259Ser (NM_012090.5); short protein forms F254S, F259S.
Identifiers: ClinVar variation 4074514 (VCV004074514.1).